The following is an entry in ClinVar:

NM_015915.5(ATL1):c.1070T>C (p.Leu357Ser)

Gene: ATL1 (atlastin GTPase 1; plus strand). Cytogenetic location: 14q22.1.
Variant type: single nucleotide variant.
Coding change: c.1070T>C on transcript NM_015915.5 (MANE Select); coding-DNA position 1070, T replaced by C.
Protein change: p.Leu357Ser; replaces leucine 357 with serine.
Molecular consequence: missense variant.
Genome position (GRCh38, 1-based): chr14:50,623,199, T>C. VCF-style: chr14-50623199-T-C. GRCh37 (hg19) VCF-style: chr14-51089917-T-C.
Other names: c.1070T>C, p.Leu357Ser (NM_001127713.1, NM_181598.4); short protein forms L357S.
Identifiers: ClinVar variation 1714113 (VCV001714113.6), dbSNP rs2504564196, ClinGen allele CA389674150.

ClinVar aggregate classification (germline): Uncertain significance. Review status: criteria provided, multiple submitters, no conflicts (2 of 4 stars). 2 submissions from 2 submitters: Uncertain significance (2). Last evaluated 2023-08-10.

Conditions:
ATL1-related disorder. Also called: ATL1-related condition.
Hereditary spastic paraplegia 3A (SPG3A). Also called: Spastic paraplegia 3A, autosomal dominant; SPASTIC PARAPLEGIA 3, AUTOSOMAL DOMINANT; FAMILIAL SPASTIC PARAPLEGIA, AUTOSOMAL DOMINANT, 1; SPG3; STRUMPELL DISEASE; Spastic Paraplegia 3A. Identifiers: Orphanet 100984, MedGen C2931355, MONDO:0008437, OMIM 182600.

Submissions (2):

PreventionGenetics, part of Exact Sciences
Classification: Uncertain significance for ATL1-related condition. Last evaluated: 2023-08-10. Review status: criteria provided, single submitter. Criteria: ACMG Guidelines, 2015. Collection method: clinical testing. Allele origin: germline.
Comment: The ATL1 c.1070T>C variant is predicted to result in the amino acid substitution p.Leu357Ser. To our knowledge, this variant has not been reported in the literature or in a large population database, indicating this variant is rare. At this time, the clinical significance of this variant is uncertain due to the absence of conclusive functional and genetic evidence.

Labcorp Genetics (formerly Invitae), Labcorp
Classification: Uncertain significance for Hereditary spastic paraplegia 3A. Last evaluated: 2022-07-29. Review status: criteria provided, single submitter. Criteria: Invitae Variant Classification Sherloc (09022015). Collection method: clinical testing. Allele origin: germline.
Comment: Advanced modeling of protein sequence and biophysical properties (such as structural, functional, and spatial information, amino acid conservation, physicochemical variation, residue mobility, and thermodynamic stability) performed at Invitae indicates that this missense variant is expected to disrupt ATL1 protein function. In summary, the available evidence is currently insufficient to determine the role of this variant in disease. Therefore, it has been classified as a Variant of Uncertain Significance. This sequence change replaces leucine, which is neutral and non-polar, with serine, which is neutral and polar, at codon 357 of the ATL1 protein (p.Leu357Ser). This variant is not present in population databases (gnomAD no frequency). This variant has not been reported in the literature in individuals affected with ATL1-related conditions.